The following is an entry in ClinVar:

NM_024675.4(PALB2):c.2938A>C (p.Ser980Arg)

Gene: PALB2 (partner and localizer of BRCA2; minus strand). Cytogenetic location: 16p12.2.
Variant type: single nucleotide variant.
Coding change: c.2938A>C on transcript NM_024675.4 (MANE Select); coding-DNA position 2938, A replaced by C.
Protein change: p.Ser980Arg; replaces serine 980 with arginine.
Molecular consequence: missense variant. On other transcripts: intron variant (1).
Genome position (GRCh38, 1-based): chr16:23,623,027, T>G on the plus strand (A>C on the coding strand, the complement: PALB2 is on the minus strand). VCF-style: chr16-23623027-T-G. GRCh37 (hg19) VCF-style: chr16-23634348-T-G.
Other names: c.2053A>C, p.Ser685Arg (NM_001407304.1, NM_001407305.1, NM_001407306.1 and 4 more transcripts); c.1891A>C, p.Ser631Arg (NM_001407307.1); c.1150A>C, p.Ser384Arg (NM_001407312.1, NM_001407313.1); c.472A>C, p.Ser158Arg (NM_001407314.1); c.2834+982A>C (NM_001407300.1); c.2878A>C, p.Ser960Arg (NM_001407296.1); c.2866A>C, p.Ser956Arg (NM_001407297.1); c.2776A>C, p.Ser926Arg (NM_001407298.1, NM_001407302.1); and 1 more; short protein forms S158R, S685R, S926R, S980R, S956R, S960R, S384R, S631R.
Identifiers: ClinVar variation 2704937 (VCV002704937.3), dbSNP rs2142335614, ClinGen allele CA395144132.

ClinVar aggregate classification (germline): Uncertain significance (1 of 4 stars; one submission).

Conditions:
Familial cancer of breast. Also called: Hereditary breast cancer; BREAST CANCER, FAMILIAL; hereditary breast carcinoma. Identifiers: Orphanet 227535, MedGen C0346153, MONDO:0016419, OMIM 114480. Disease mechanism: loss of function.

Submission:

Labcorp Genetics (formerly Invitae), Labcorp
Classification: Uncertain significance for Familial cancer of breast. Last evaluated: 2023-12-22. Review status: criteria provided, single submitter. Criteria: Invitae Variant Classification Sherloc (09022015). Collection method: clinical testing. Allele origin: germline.
Comment: This sequence change replaces serine, which is neutral and polar, with arginine, which is basic and polar, at codon 980 of the PALB2 protein (p.Ser980Arg). This variant is not present in population databases (gnomAD no frequency). This variant has not been reported in the literature in individuals affected with PALB2-related conditions. Advanced modeling of protein sequence and biophysical properties (such as structural, functional, and spatial information, amino acid conservation, physicochemical variation, residue mobility, and thermodynamic stability) performed at Invitae indicates that this missense variant is expected to disrupt PALB2 protein function with a positive predictive value of 80%. In summary, the available evidence is currently insufficient to determine the role of this variant in disease. Therefore, it has been classified as a Variant of Uncertain Significance.